The following is an entry in ClinVar:

NM_004304.5(ALK):c.4812C>T (p.Tyr1604=)

Gene: ALK (ALK receptor tyrosine kinase; minus strand). Cytogenetic location: 2p23.2.
Variant type: single nucleotide variant.
Coding change: c.4812C>T on transcript NM_004304.5 (MANE Select); coding-DNA position 4812, C replaced by T.
Protein change: p.Tyr1604=; no amino-acid change (tyrosine 1604 retained).
Molecular consequence: synonymous variant.
Genome position (GRCh38, 1-based): chr2:29,193,275, G>A on the plus strand (C>T on the coding strand, the complement: ALK is on the minus strand). VCF-style: chr2-29193275-G-A. GRCh37 (hg19) VCF-style: chr2-29416141-G-A.
Other names: c.1608C>T, p.Tyr536= (NM_001353765.2).
Identifiers: ClinVar variation 412943 (VCV000412943.14), dbSNP rs753750497, ClinGen allele CA1593471.

ClinVar aggregate classification (germline): Likely benign. Review status: criteria provided, multiple submitters, no conflicts (2 of 4 stars). 4 submissions from 4 submitters: Likely benign (4). Last evaluated 2026-01-24.

Conditions:
Hereditary cancer-predisposing syndrome. Also called: Neoplastic Syndromes, Hereditary; Tumor predisposition; Hereditary Cancer Syndrome; Hereditary neoplastic syndrome. Identifiers: Orphanet 140162, MedGen C0027672, MeSH D009386, MONDO:0015356.
Neuroblastoma, susceptibility to, 3. Also called: ALK-Related Neuroblastic Tumor Susceptibility. Identifiers: Orphanet 635, MedGen C2751681, MONDO:0013083, OMIM 613014.

Allele frequency attached by ClinVar (database versions not stated): TOPMed 0.00005; gnomAD 0.00007 and 0.00008.
gnomAD v4.1: 276 of 1,614,054 alleles (0.017%); highest among the groups gnomAD compares: Non-Finnish European, 0.022%; no homozygotes.

Submissions (4):

Labcorp Genetics (formerly Invitae), Labcorp
Classification: Likely benign for Neuroblastoma, susceptibility to, 3. Last evaluated: 2026-01-24. Review status: criteria provided, single submitter. Criteria: Invitae Variant Classification Sherloc (09022015). Collection method: clinical testing. Allele origin: germline.

Blueprint Genetics
Classification: Likely benign. Last evaluated: 2024-11-17. Review status: criteria provided, single submitter. Criteria: ACMG Guidelines, 2015. Collection method: clinical testing. Allele origin: germline.

Ambry Genetics
Classification: Likely benign for Hereditary cancer-predisposing syndrome. Last evaluated: 2022-02-13. Review status: criteria provided, single submitter. Criteria: Ambry Variant Classification Scheme 2023. Collection method: clinical testing. Allele origin: germline.

GeneDx
Classification: Likely benign. Last evaluated: 2018-01-02. Review status: criteria provided, single submitter. Criteria: GeneDx Variant Classification (06012015). Collection method: clinical testing. Allele origin: germline. Affected: yes.
Comment: This variant is considered likely benign or benign based on one or more of the following criteria: it is a conservative change, it occurs at a poorly conserved position in the protein, it is predicted to be benign by multiple in silico algorithms, and/or has population frequency not consistent with disease.